The following is an entry in ClinVar:

NM_130384.3(ATRIP):c.242T>G (p.Val81Gly)

Genes: ATRIP (ATR interacting protein; plus strand), ATRIP-TREX1 (ATRIP-TREX1 readthrough; plus strand). Cytogenetic location: 3p21.31.
Variant type: single nucleotide variant.
Coding change: c.242T>G on transcript NM_130384.3 (MANE Select); coding-DNA position 242, T replaced by G.
Protein change: p.Val81Gly; replaces valine 81 with glycine.
Molecular consequence: missense variant. On other transcripts: non-coding transcript variant (1), intron variant (1).
Genome position (GRCh38, 1-based): chr3:48,447,087, T>G. VCF-style: chr3-48447087-T-G. GRCh37 (hg19) VCF-style: chr3-48488491-T-G.
Other names: c.242T>G, p.Val81Gly (NM_032166.4); c.-218+288T>G (NM_001271022.2); short protein forms V81G.
Identifiers: ClinVar variation 3810471 (VCV003810471.1).

ClinVar aggregate classification (germline): Uncertain significance (1 of 4 stars; one submission).

gnomAD v4.1: 1 of 1,545,782 alleles (0.000065%); highest among the groups gnomAD compares: Middle Eastern, 0.017%; no homozygotes.

Submission:

Ambry Genetics
Classification: Uncertain significance. Last evaluated: 2025-02-05. Review status: criteria provided, single submitter. Criteria: Ambry Variant Classification Scheme 2023. Collection method: clinical testing. Allele origin: germline.
Comment: The p.V81G variant (also known as c.242T>G), located in coding exon 1 of the ATRIP gene, results from a T to G substitution at nucleotide position 242. The valine at codon 81 is replaced by glycine, an amino acid with dissimilar properties. This amino acid position is conserved. In addition, this alteration is predicted to be tolerated by in silico analysis. Based on the available evidence, the clinical significance of this variant remains unclear.